The following is an entry in ClinVar:

NM_000126.4(ETFA):c.668G>A (p.Arg223Gln)

Gene: ETFA (electron transfer flavoprotein subunit alpha; minus strand). Cytogenetic location: 15q24.2.
Variant type: single nucleotide variant.
Coding change: c.668G>A on transcript NM_000126.4 (MANE Select); coding-DNA position 668, G replaced by A.
Protein change: p.Arg223Gln; replaces arginine 223 with glutamine.
Molecular consequence: missense variant.
Genome position (GRCh38, 1-based): chr15:76,283,822, C>T on the plus strand (G>A on the coding strand, the complement: ETFA is on the minus strand). VCF-style: chr15-76283822-C-T. GRCh37 (hg19) VCF-style: chr15-76576163-C-T.
Other names: c.521G>A, p.Arg174Gln (NM_001127716.2); c.668G>A (NM_000126.3); short protein forms R223Q, R174Q.
Identifiers: ClinVar variation 2154765 (VCV002154765.5), dbSNP rs762041972, ClinGen allele CA7673657.
Genomic context (GRCh38, chr15:76,283,822, plus strand): 5'-GCATGTAGTTGATCTGCCAAGTCATATAACAACTTAAAGTTCTCTCCACTCTTCAAGCCT[C>T]GACCTCATTTAAAAAGATGAAAAAAAAAAATTAGGCAAACATCAAATACATTCTGGAACA-3'
Protein context (NP_000117.1, residues 213-233): TGAKVVVSGG[Arg223Gln]GLKSGENFKL

ClinVar aggregate classification (germline): Uncertain significance. Review status: criteria provided, multiple submitters, no conflicts (2 of 4 stars). 3 submissions from 3 submitters: Uncertain significance (3). Last evaluated 2023-10-11.

Conditions:
Multiple acyl-CoA dehydrogenase deficiency (MADD). Also called: Glutaric aciduria, type 2; ETHYLMALONIC-ADIPICACIDURIA; GA II; Glutaric acidemia type II; GA 2; Glutaric Acidemia type 2. Identifiers: Orphanet 26791, MedGen C0268596, MONDO:0009282, OMIM 231680.

Allele frequency attached by ClinVar (database versions not stated): ExAC 0.00001; gnomAD 0.00001; gnomAD exomes 0.00001; TOPMed 0.00001.
gnomAD v4.1: 12 of 1,608,118 alleles (0.00075%); highest among the groups gnomAD compares: Non-Finnish European, 0.001%; no homozygotes.

Submissions (3):

Revvity Omics, Revvity
Classification: Uncertain significance for Multiple acyl-CoA dehydrogenase deficiency. Last evaluated: 2023-10-11. Review status: criteria provided, single submitter. Criteria: ACMG Guidelines, 2015. Collection method: clinical testing. Allele origin: germline.

GeneDx
Classification: Uncertain significance. Last evaluated: 2022-12-14. Review status: criteria provided, single submitter. Criteria: GeneDx Variant Classification Process June 2021. Collection method: clinical testing. Allele origin: germline. Affected: yes.
Comment: Has not been previously published as pathogenic or benign to our knowledge; Not observed at significant frequency in large population cohorts (gnomAD); In silico analysis supports that this missense variant has a deleterious effect on protein structure/function; In silico analysis also suggests this variant may impact gene splicing. In the absence of RNA/functional studies, the actual effect of this sequence change is unknown.

Labcorp Genetics (formerly Invitae), Labcorp
Classification: Uncertain significance for Multiple acyl-CoA dehydrogenase deficiency. Last evaluated: 2022-02-24. Review status: criteria provided, single submitter. Criteria: Invitae Variant Classification Sherloc (09022015). Collection method: clinical testing. Allele origin: germline.
Comment: This sequence change replaces arginine, which is basic and polar, with glutamine, which is neutral and polar, at codon 223 of the ETFA protein (p.Arg223Gln). This variant is present in population databases (rs762041972, gnomAD 0.002%). This variant has not been reported in the literature in individuals affected with ETFA-related conditions. Algorithms developed to predict the effect of missense changes on protein structure and function (SIFT, PolyPhen-2, Align-GVGD) all suggest that this variant is likely to be disruptive. Algorithms developed to predict the effect of sequence changes on RNA splicing suggest that this variant may create or strengthen a splice site. In summary, the available evidence is currently insufficient to determine the role of this variant in disease. Therefore, it has been classified as a Variant of Uncertain Significance.